The following is an entry in ClinVar:

NM_004995.4(MMP14):c.1691G>A (p.Arg564His)

Gene: MMP14 (matrix metallopeptidase 14; plus strand). Cytogenetic location: 14q11.2.
Variant type: single nucleotide variant.
Coding change: c.1691G>A on transcript NM_004995.4 (MANE Select); coding-DNA position 1691, G replaced by A.
Protein change: p.Arg564His; replaces arginine 564 with histidine.
Molecular consequence: missense variant.
Genome position (GRCh38, 1-based): chr14:22,845,981, G>A. VCF-style: chr14-22845981-G-A. GRCh37 (hg19) VCF-style: chr14-23315190-G-A.
Other names: short protein forms R564H.
Identifiers: ClinVar variation 1925623 (VCV001925623.5), dbSNP rs140676928, ClinGen allele CA7105546.

ClinVar aggregate classification (germline): Uncertain significance (1 of 4 stars; one submission).

Allele frequency attached by ClinVar (database versions not stated): TOPMed 0.00002; gnomAD exomes 0.00003; gnomAD 0.00005; ESP Exome Variant Server 0.00008.
gnomAD v4.1: 53 of 1,559,504 alleles (0.0034%); highest among the groups gnomAD compares: African/African-American, 0.0041%; no homozygotes.

Submission:

Labcorp Genetics (formerly Invitae), Labcorp
Classification: Uncertain significance. Last evaluated: 2024-10-22. Review status: criteria provided, single submitter. Criteria: Invitae Variant Classification Sherloc (09022015). Collection method: clinical testing. Allele origin: germline.
Comment: This sequence change replaces arginine, which is basic and polar, with histidine, which is basic and polar, at codon 564 of the MMP14 protein (p.Arg564His). The frequency data for this variant in the population databases is considered unreliable, as metrics indicate poor data quality at this position in the gnomAD database. This variant has not been reported in the literature in individuals affected with MMP14-related conditions. ClinVar contains an entry for this variant (Variation ID: 1925623). An algorithm developed to predict the effect of missense changes on protein structure and function (PolyPhen-2) suggests that this variant is likely to be disruptive. In summary, the available evidence is currently insufficient to determine the role of this variant in disease. Therefore, it has been classified as a Variant of Uncertain Significance.